The following is an entry in ClinVar:

ClinVar aggregate classification (germline): Uncertain significance. Review status: criteria provided, multiple submitters, no conflicts (2 of 4 stars). 2 submissions from 2 submitters: Uncertain significance (2). Last evaluated 2025-06-23.

Conditions:
RYR1-related disorder. Also called: RYR1-related disorders; RYR1-related condition. Identifiers: MedGen CN239331.
Malignant hyperthermia, susceptibility to, 1 (MHS1). Also called: RYR1-Related Malignant Hyperthermia Susceptibility; Anesthesia related hyperthermia; Malignant hyperpyrexia; Fulminating hyperpyrexia; Pharmacogenic myopathy; Malignant hyperthermia suceptibility 1. Identifiers: Orphanet 423, MedGen C2930980, MONDO:0007783, OMIM 145600.

Allele frequency attached by ClinVar (database versions not stated): gnomAD exomes below 0.00001; ExAC 0.00001; TOPMed 0.00002.
gnomAD v4.1: 3 of 1,614,164 alleles (0.00019%); highest among the groups gnomAD compares: South Asian, 0.0011%; no homozygotes.

Submissions (2):

Color Diagnostics, LLC DBA Color Health
Classification: Uncertain significance for Malignant hyperthermia, susceptibility to, 1. Last evaluated: 2025-06-23. Review status: criteria provided, single submitter. Criteria: ACMG Guidelines, 2015. Collection method: clinical testing. Allele origin: germline.
Comment: This missense variant replaces proline with leucine at codon 2990 of the RYR1 protein. Computational prediction suggests that this variant may not impact protein structure and function. To our knowledge, functional studies have not been reported for this variant. This variant has not been reported in individuals affected with RYR1-related disorders in the literature. This variant has been identified in 1/251488 chromosomes in the general population by the Genome Aggregation Database (gnomAD). The available evidence is insufficient to determine the role of this variant in disease conclusively. Therefore, this variant is classified as a Variant of Uncertain Significance.

Labcorp Genetics (formerly Invitae), Labcorp
Classification: Uncertain significance for RYR1-related disorder. Last evaluated: 2022-07-12. Review status: criteria provided, single submitter. Criteria: Invitae Variant Classification Sherloc (09022015). Collection method: clinical testing. Allele origin: germline.
Comment: This sequence change replaces proline, which is neutral and non-polar, with leucine, which is neutral and non-polar, at codon 2990 of the RYR1 protein (p.Pro2990Leu). This variant is present in population databases (rs768538971, gnomAD 0.0009%). This variant has not been reported in the literature in individuals affected with RYR1-related conditions. ClinVar contains an entry for this variant (Variation ID: 1060074). Advanced modeling of protein sequence and biophysical properties (such as structural, functional, and spatial information, amino acid conservation, physicochemical variation, residue mobility, and thermodynamic stability) performed at Invitae indicates that this missense variant is not expected to disrupt RYR1 protein function. In summary, the available evidence is currently insufficient to determine the role of this variant in disease. Therefore, it has been classified as a Variant of Uncertain Significance.

NM_000540.3(RYR1):c.8969C>T (p.Pro2990Leu)

Gene: RYR1 (ryanodine receptor 1; plus strand). Cytogenetic location: 19q13.2.
Variant type: single nucleotide variant.
Coding change: c.8969C>T on transcript NM_000540.3 (MANE Select); coding-DNA position 8969, C replaced by T.
Protein change: p.Pro2990Leu; replaces proline 2990 with leucine.
Molecular consequence: missense variant.
Genome position (GRCh38, 1-based): chr19:38,510,534, C>T. VCF-style: chr19-38510534-C-T. GRCh37 (hg19) VCF-style: chr19-39001174-C-T.
Other names: c.8969C>T, p.Pro2990Leu (NM_001042723.2); short protein forms P2990L.
Identifiers: ClinVar variation 1060074 (VCV001060074.7), dbSNP rs768538971, ClinGen allele CA073000.